The following is an entry in ClinVar:

NM_172245.4(CSF2RA):c.1015G>A (p.Gly339Ser)

Gene: CSF2RA (colony stimulating factor 2 receptor subunit alpha; plus strand). Cytogenetic location: Xp22.33.
Variant type: single nucleotide variant.
Coding change: c.1015G>A on transcript NM_172245.4 (MANE Select); coding-DNA position 1015, G replaced by A.
Protein change: p.Gly339Ser; replaces glycine 339 with serine.
Molecular consequence: missense variant. On other transcripts: non-coding transcript variant (1), intron variant (7).
Genome position (GRCh38, 1-based): chrX:1,303,991, G>A. VCF-style: chrX-1303991-G-A. GRCh37 (hg19) VCF-style: chrX-1422884-G-A.
Other names: c.1015G>A, p.Gly339Ser (NM_001161529.2, NM_001161531.2, NM_001379155.1 and 9 more transcripts); c.1117G>A, p.Gly373Ser (NM_001161530.2, NM_001379153.1, NM_001379154.1); c.616G>A, p.Gly206Ser (NM_001161532.2); c.985G>A, p.Gly329Ser (NM_001379160.1); c.947-1455G>A (NM_001379167.1, NM_001379169.1, NM_172247.3 and 1 more transcripts); c.946+3365G>A (NM_172246.4); c.647-1455G>A (NM_172249.4); c.855-1455G>A (NM_001379166.1); short protein forms G329S, G206S, G339S, G373S.
Identifiers: ClinVar variation 1502048 (VCV001502048.8), dbSNP rs2148651005, ClinGen allele CA412236905.

ClinVar aggregate classification (germline): Uncertain significance (1 of 4 stars; one submission).

Conditions:
Surfactant metabolism dysfunction, pulmonary, 4 (SMDP4). Also called: PAP DUE TO CSF2RA DEFICIENCY; PULMONARY ALVEOLAR PROTEINOSIS, CONGENITAL, 4; CSF2RA DEFICIENCY. Identifiers: Orphanet 264675, MedGen C2677877, MONDO:0010424, OMIM 300770.

Submission:

Labcorp Genetics (formerly Invitae), Labcorp
Classification: Uncertain significance for Surfactant metabolism dysfunction, pulmonary, 4. Last evaluated: 2024-10-25. Review status: criteria provided, single submitter. Criteria: Invitae Variant Classification Sherloc (09022015). Collection method: clinical testing. Allele origin: germline.
Comment: This sequence change replaces glycine, which is neutral and non-polar, with serine, which is neutral and polar, at codon 339 of the CSF2RA protein (p.Gly339Ser). This variant is not present in population databases (gnomAD no frequency). This variant has not been reported in the literature in individuals affected with CSF2RA-related conditions. ClinVar contains an entry for this variant (Variation ID: 1502048). Invitae Evidence Modeling of protein sequence and biophysical properties (such as structural, functional, and spatial information, amino acid conservation, physicochemical variation, residue mobility, and thermodynamic stability) indicates that this missense variant is not expected to disrupt CSF2RA protein function with a negative predictive value of 80%. In summary, the available evidence is currently insufficient to determine the role of this variant in disease. Therefore, it has been classified as a Variant of Uncertain Significance.